The following is an entry in ClinVar:

NM_000395.3(CSF2RB):c.1153-13T>C

Gene: CSF2RB (colony stimulating factor 2 receptor subunit beta; plus strand). Cytogenetic location: 22q12.3.
Variant type: single nucleotide variant.
Coding change: c.1153-13T>C on transcript NM_000395.3 (MANE Select); 13 bases into the intron before coding-DNA position 1153, T replaced by C.
Molecular consequence: intron variant.
Genome position (GRCh38, 1-based): chr22:36,933,819, T>C. VCF-style: chr22-36933819-T-C. GRCh37 (hg19) VCF-style: chr22-37329861-T-C.
Identifiers: ClinVar variation 226544 (VCV000226544.16), dbSNP rs117405606, ClinGen allele CA10213735.
Genomic context (GRCh38, chr22:36,933,819, plus strand): 5'-GTCCAGGTGGGAGGGATTTGCAGCTGCTCCCACGGGCACCGGGCCAGGCCTCACCCTCAG[T>C]GCCAACCCACAGGACAGCAAGACCGAGACCCTCCAGAACGCCCACAGCATGGCCCTGCCA-3'

ClinVar aggregate classification (germline): Benign/Likely benign. Review status: criteria provided, multiple submitters, no conflicts (2 of 4 stars). 4 submissions from 4 submitters: Benign (2); Likely benign (2). Last evaluated 2026-02-01.

Allele frequency attached by ClinVar (database versions not stated): gnomAD exomes 0.01015 and 0.00645; 1000 Genomes Project 30x 0.01640; ExAC 0.01650; 1000 Genomes Project 0.01797; ESP Exome Variant Server 0.00679; gnomAD 0.00731 and 0.00853; TOPMed 0.00802.
gnomAD v4.1: 10,701 of 1,602,758 alleles (0.67%); highest among the groups gnomAD compares: South Asian, 4.6%; 179 homozygotes.

Submissions (4):

Labcorp Genetics (formerly Invitae), Labcorp
Classification: Benign. Last evaluated: 2026-02-01. Review status: criteria provided, single submitter. Criteria: Invitae Variant Classification Sherloc (09022015). Collection method: clinical testing. Allele origin: germline.

GeneDx
Classification: Likely benign. Last evaluated: 2020-05-30. Review status: criteria provided, single submitter. Criteria: GeneDx Variant Classification Process June 2021. Collection method: clinical testing. Allele origin: germline. Affected: yes.

Laboratory for Molecular Medicine, Mass General Brigham Personalized Medicine
Classification: Benign. Last evaluated: 2014-11-24. Review status: criteria provided, single submitter. Criteria: LMM Criteria. Collection method: clinical testing. Allele origin: germline. Observed: 2 variant alleles.
Comment: 1153-13T>C in intron 9 of CSF2RB: This variant is not expected to have clinical significance because it has been identified in 1.5% (66/4382) of African America n chromosomes from a broad population by the NHLBI Exome Sequencing Project (dbSNP rs117405606).

Breakthrough Genomics
Classification: Likely benign. Review status: criteria provided, single submitter. Criteria: ACMG Guidelines, 2015. Collection method: not provided. Allele origin: germline. Inheritance: Autosomal recessive inheritance. Affected: yes.